The following is an entry in ClinVar:

NM_005060.4(RORC):c.1165C>T (p.Arg389Ter)

Gene: RORC (RAR related orphan receptor C; minus strand). Cytogenetic location: 1q21.3.
Variant type: single nucleotide variant.
Coding change: c.1165C>T on transcript NM_005060.4 (MANE Select); coding-DNA position 1165, C replaced by T.
Protein change: p.Arg389Ter; replaces arginine 389 with a stop codon.
Molecular consequence: nonsense.
Genome position (GRCh38, 1-based): chr1:151,813,248, G>A on the plus strand (C>T on the coding strand, the complement: RORC is on the minus strand). VCF-style: chr1-151813248-G-A. GRCh37 (hg19) VCF-style: chr1-151785724-G-A.
Other names: c.1102C>T, p.Arg368Ter (NM_001001523.2); short protein forms R368*, R389*.
Identifiers: ClinVar variation 2585221 (VCV002585221.1), dbSNP rs1558164428, ClinGen allele CA342011915.

ClinVar aggregate classification (germline): Likely pathogenic (1 of 4 stars; one submission).

Conditions:
Autosomal recessive mendelian susceptibility to mycobacterial diseases due to complete RORgamma receptor deficiency. Also called: Immunodeficiency 42. Identifiers: Orphanet 477857, MedGen C5567647, MONDO:0014710, OMIM 616622.

Submission:

Neuberg Centre For Genomic Medicine, NCGM
Classification: Likely pathogenic for Autosomal recessive mendelian susceptibility to mycobacterial diseases due to complete RORgamma receptor deficiency. Review status: criteria provided, single submitter. Criteria: ACMG Guidelines, 2015. Collection method: clinical testing. Allele origin: germline. Inheritance: Autosomal recessive inheritance. Affected: yes.
Comment: The stop gained variant c.1165C>T (p.Arg389Ter) in RORC gene has not been reported previously as a pathogenic variant nor as a benign variant, to our knowledge. The variant p.Arg389Ter is novel (not in any individuals) in gnomAD Exomes and 1000 Genomes. The nucleotide change in RORC is predicted as conserved by GERP++ and PhyloP across 100 vertebrates. This variant is predicted to cause loss of normal protein function through protein truncation. Loss of function variants have been previously reported to be disease causing. For these reasons, this variant has been classified as Likely Pathogenic.